The following is an entry in ClinVar:

ClinVar aggregate classification (germline): Likely benign. Review status: criteria provided, multiple submitters, no conflicts (2 of 4 stars). 4 submissions from 4 submitters: Likely benign (4). Last evaluated 2025-12-22.

Conditions:
Inborn genetic diseases. Identifiers: MedGen C0950123, MeSH D030342.

Allele frequency attached by ClinVar (database versions not stated): ESP Exome Variant Server 0.00015; gnomAD 0.00021; gnomAD exomes 0.00021; TOPMed 0.00022; ExAC 0.00023.
gnomAD v4.1: 351 of 1,614,190 alleles (0.022%); highest among the groups gnomAD compares: Middle Eastern, 0.69%; 1 homozygote.

Submissions (4):

Labcorp Genetics (formerly Invitae), Labcorp
Classification: Likely benign. Last evaluated: 2025-12-22. Review status: criteria provided, single submitter. Criteria: Invitae Variant Classification Sherloc (09022015). Collection method: clinical testing. Allele origin: germline.

Mayo Clinic Laboratories, Mayo Clinic
Classification: Likely benign. Last evaluated: 2025-03-18. Review status: criteria provided, single submitter. Criteria: ACMG Guidelines, 2015. Collection method: clinical testing. Allele origin: germline. Observed: 1 variant allele.
Comment: BP4, BP7

Blueprint Genetics
Classification: Likely benign. Last evaluated: 2024-10-24. Review status: criteria provided, single submitter. Criteria: ACMG Guidelines, 2015. Collection method: clinical testing. Allele origin: germline.

Ambry Genetics
Classification: Likely benign for Inborn genetic diseases. Last evaluated: 2022-02-12. Review status: criteria provided, single submitter. Criteria: Ambry Variant Classification Scheme 2023. Collection method: clinical testing. Allele origin: germline.

NM_001430.5(EPAS1):c.744C>T (p.His248=)

Genes: EPAS1 (endothelial PAS domain protein 1; plus strand), LOC126806210 (BRD4-independent group 4 enhancer GRCh37_chr2:46587586-46588785; plus strand). Cytogenetic location: 2p21.
Variant type: single nucleotide variant.
Coding change: c.744C>T on transcript NM_001430.5 (MANE Select); coding-DNA position 744, C replaced by T.
Protein change: p.His248=; no amino-acid change (histidine 248 retained).
Molecular consequence: synonymous variant.
Genome position (GRCh38, 1-based): chr2:46,361,055, C>T. VCF-style: chr2-46361055-C-T. GRCh37 (hg19) VCF-style: chr2-46588194-C-T.
Other names: p.His248=.
Identifiers: ClinVar variation 1758962 (VCV001758962.7), dbSNP rs200574500, ClinGen allele CA1644736.